The following is an entry in ClinVar:

NM_052947.4(ALPK2):c.3650T>C (p.Ile1217Thr)

Genes: ALPK2 (alpha kinase 2; minus strand), LOC126862764 (BRD4-independent group 4 enhancer GRCh37_chr18:56202574-56203773; plus strand). Cytogenetic location: 18q21.31.
Variant type: single nucleotide variant.
Coding change: c.3650T>C on transcript NM_052947.4 (MANE Select); coding-DNA position 3650, T replaced by C.
Protein change: p.Ile1217Thr; replaces isoleucine 1217 with threonine.
Molecular consequence: missense variant.
Genome position (GRCh38, 1-based): chr18:58,536,537, A>G on the plus strand (T>C on the coding strand, the complement: ALPK2 is on the minus strand). VCF-style: chr18-58536537-A-G. GRCh37 (hg19) VCF-style: chr18-56203769-A-G.
Other names: short protein forms I1217T.
Identifiers: ClinVar variation 1733602 (VCV001733602.2), dbSNP rs2518876174, ClinGen allele CA402566173.

ClinVar aggregate classification (germline): Uncertain significance (1 of 4 stars; one submission).

Submission:

Ambry Genetics
Classification: Uncertain significance. Last evaluated: 2022-10-20. Review status: criteria provided, single submitter. Criteria: Ambry Variant Classification Scheme 2023. Collection method: clinical testing. Allele origin: germline.
Comment: The p.I1217T variant (also known as c.3650T>C), located in coding exon 4 of the ALPK2 gene, results from a T to C substitution at nucleotide position 3650. The isoleucine at codon 1217 is replaced by threonine, an amino acid with similar properties. This amino acid position is conserved. In addition, this alteration is predicted to be tolerated by in silico analysis. Since supporting evidence is limited at this time, the clinical significance of this alteration remains unclear.